The following is an entry in ClinVar:

NM_017617.5(NOTCH1):c.3125C>A (p.Ser1042Tyr)

Gene: NOTCH1 (notch receptor 1; minus strand). Cytogenetic location: 9q34.3.
Variant type: single nucleotide variant.
Coding change: c.3125C>A on transcript NM_017617.5 (MANE Select); coding-DNA position 3125, C replaced by A.
Protein change: p.Ser1042Tyr; replaces serine 1042 with tyrosine.
Molecular consequence: missense variant.
Genome position (GRCh38, 1-based): chr9:136,508,916, G>T on the plus strand (C>A on the coding strand, the complement: NOTCH1 is on the minus strand). VCF-style: chr9-136508916-G-T. GRCh37 (hg19) VCF-style: chr9-139403368-G-T.
Other names: short protein forms S1042Y.
Identifiers: ClinVar variation 3368003 (VCV003368003.3).
Genomic context (GRCh38, chr9:136,508,916, plus strand): 5'-GCCGGCGCACTCACCTGGCAGTTGGGGCCAGTGTAGCCCTGGGGGCAGGTGCACCTGTAG[G>T]AGCCGCAGCCGTCCTGACAGGTGCCGCCATGCAGGCAGGGCTGTGAGTCGCACTCATTGA-3'
Protein context (NP_060087.3, residues 1032-1052): HGGTCQDGCG[Ser1042Tyr]YRCTCPQGYT

ClinVar aggregate classification (germline): Uncertain significance. Review status: criteria provided, multiple submitters, no conflicts (2 of 4 stars). 2 submissions from 2 submitters: Uncertain significance (2). Last evaluated 2025-01-26.

Conditions:
Adams-Oliver syndrome 5 (AOS5). Identifiers: Orphanet 974, MedGen C4014970, MONDO:0014459, OMIM 616028.

Submissions (2):

Labcorp Genetics (formerly Invitae), Labcorp
Classification: Uncertain significance for Adams-Oliver syndrome 5. Last evaluated: 2025-01-26. Review status: criteria provided, single submitter. Criteria: Invitae Variant Classification Sherloc (09022015). Collection method: clinical testing. Allele origin: germline.
Comment: This sequence change replaces serine, which is neutral and polar, with tyrosine, which is neutral and polar, at codon 1042 of the NOTCH1 protein (p.Ser1042Tyr). This variant is not present in population databases (gnomAD no frequency). This variant has not been reported in the literature in individuals affected with NOTCH1-related conditions. ClinVar contains an entry for this variant (Variation ID: 3368003). Invitae Evidence Modeling of protein sequence and biophysical properties (such as structural, functional, and spatial information, amino acid conservation, physicochemical variation, residue mobility, and thermodynamic stability) indicates that this missense variant is not expected to disrupt NOTCH1 protein function with a negative predictive value of 80%. In summary, the available evidence is currently insufficient to determine the role of this variant in disease. Therefore, it has been classified as a Variant of Uncertain Significance.

GeneDx
Classification: Uncertain significance. Last evaluated: 2024-01-17. Review status: criteria provided, single submitter. Criteria: GeneDx Variant Classification Process June 2021. Collection method: clinical testing. Allele origin: germline. Affected: yes.
Comment: Has not been previously published as pathogenic or benign to our knowledge; Not observed at significant frequency in large population cohorts (gnomAD); In silico analysis supports that this missense variant does not alter protein structure/function